The following is an entry in ClinVar:

ClinVar aggregate classification (germline): Uncertain significance. Review status: criteria provided, multiple submitters, no conflicts (2 of 4 stars). 2 submissions from 2 submitters: Uncertain significance (2). Last evaluated 2026-01-31.

gnomAD v4.1: 9 of 1,614,134 alleles (0.00056%); highest among the groups gnomAD compares: Non-Finnish European, 0.00076%; no homozygotes.

Submissions (2):

Labcorp Genetics (formerly Invitae), Labcorp
Classification: Uncertain significance. Last evaluated: 2026-01-31. Review status: criteria provided, single submitter. Criteria: Invitae Variant Classification Sherloc (09022015). Collection method: clinical testing. Allele origin: germline.
Comment: This sequence change replaces proline, which is neutral and non-polar, with arginine, which is basic and polar, at codon 1022 of the COL4A1 protein (p.Pro1022Arg). This variant is not present in population databases (gnomAD no frequency). This variant has not been reported in the literature in individuals affected with COL4A1-related conditions. ClinVar contains an entry for this variant (Variation ID: 4078359). Invitae Evidence Modeling of protein sequence and biophysical properties (such as structural, functional, and spatial information, amino acid conservation, physicochemical variation, residue mobility, and thermodynamic stability) indicates that this missense variant is not expected to disrupt COL4A1 protein function with a negative predictive value of 95%. In summary, the available evidence is currently insufficient to determine the role of this variant in disease. Therefore, it has been classified as a Variant of Uncertain Significance.

Revvity Omics, Revvity
Classification: Uncertain significance. Last evaluated: 2024-02-20. Review status: criteria provided, single submitter. Criteria: ACMG Guidelines, 2015. Collection method: clinical testing. Allele origin: germline.

NM_001845.6(COL4A1):c.3065C>G (p.Pro1022Arg)

Gene: COL4A1 (collagen type IV alpha 1 chain; minus strand). Cytogenetic location: 13q34.
Variant type: single nucleotide variant.
Coding change: c.3065C>G on transcript NM_001845.6 (MANE Select); coding-DNA position 3065, C replaced by G.
Protein change: p.Pro1022Arg; replaces proline 1022 with arginine.
Molecular consequence: missense variant.
Genome position (GRCh38, 1-based): chr13:110,175,351, G>C on the plus strand (C>G on the coding strand, the complement: COL4A1 is on the minus strand). VCF-style: chr13-110175351-G-C. GRCh37 (hg19) VCF-style: chr13-110827698-G-C.
Other names: short protein forms P1022R.
Identifiers: ClinVar variation 4078359 (VCV004078359.2).